The following is an entry in ClinVar:

NM_015662.3(IFT172):c.4775T>C (p.Met1592Thr)

Genes: KRTCAP3 (keratinocyte associated protein 3; plus strand), IFT172 (intraflagellar transport 172; minus strand). Cytogenetic location: 2p23.3.
Variant type: single nucleotide variant.
Coding change: c.4775T>C on transcript NM_015662.3 (MANE Select); coding-DNA position 4775, T replaced by C.
Protein change: p.Met1592Thr; replaces methionine 1592 with threonine.
Molecular consequence: missense variant. On other transcripts: intron variant (1).
Genome position (GRCh38, 1-based): chr2:27,445,969, A>G on the plus strand (T>C on the coding strand, the complement: IFT172 is on the minus strand). VCF-style: chr2-27445969-A-G. GRCh37 (hg19) VCF-style: chr2-27668836-A-G.
Other names: c.4709T>C, p.Met1570Thr (NM_001410739.1); c.*6-332A>G (NM_001168364.2); short protein forms M1592T, M1570T.
Identifiers: ClinVar variation 1005481 (VCV001005481.48), dbSNP rs773569919, ClinGen allele CA1579477.

ClinVar aggregate classification (germline): Uncertain significance (1 of 4 stars; one submission).

Conditions:
Retinitis pigmentosa 71 (RP71). Identifiers: Orphanet 791, MedGen C4225342, MONDO:0014618, OMIM 616394.
Short-rib thoracic dysplasia 10 with or without polydactyly (SRTD10). Identifiers: Orphanet 474, MedGen C3810175, MONDO:0014284, OMIM 615630.

Allele frequency attached by ClinVar (database versions not stated): gnomAD exomes 0.00001 and 0.00002; ExAC 0.00003; gnomAD 0.00001.
gnomAD v4.1: 15 of 1,614,130 alleles (0.00093%); highest among the groups gnomAD compares: South Asian, 0.0099%; no homozygotes.

Submission:

Labcorp Genetics (formerly Invitae), Labcorp
Classification: Uncertain significance for Retinitis pigmentosa 71; Short-rib thoracic dysplasia 10 with or without polydactyly. Last evaluated: 2020-03-05. Review status: criteria provided, single submitter. Criteria: Invitae Variant Classification Sherloc (09022015). Collection method: clinical testing. Allele origin: germline.
Comment: This sequence change replaces methionine with threonine at codon 1592 of the IFT172 protein (p.Met1592Thr). The methionine residue is moderately conserved and there is a moderate physicochemical difference between methionine and threonine. This variant is present in population databases (rs773569919, ExAC 0.02%). This variant has not been reported in the literature in individuals with IFT172-related conditions. Algorithms developed to predict the effect of missense changes on protein structure and function are either unavailable or do not agree on the potential impact of this missense change (SIFT: "Tolerated"; PolyPhen-2: "Possibly Damaging"; Align-GVGD: "Class C0"). In summary, the available evidence is currently insufficient to determine the role of this variant in disease. Therefore, it has been classified as a Variant of Uncertain Significance.